The following is an entry in ClinVar:

NM_000297.4(PKD2):c.2527del (p.Leu842_Val843insTer)

Gene: PKD2 (polycystin 2, transient receptor potential cation channel; plus strand). Cytogenetic location: 4q22.1.
Variant type: Deletion.
Coding change: c.2527del on transcript NM_000297.4 (MANE Select); coding-DNA position 2527, one base deleted (G; older notation c.2527delG).
Protein change: p.Leu842_Val843insTer.
Molecular consequence: nonsense. On other transcripts: non-coding transcript variant (1).
Genome position (GRCh38, 1-based): chr4:88,074,816, G deleted; the last of 2 consecutive G bases (chr4:88,074,815-88,074,816); deleting either gives the same sequence. VCF-style (leftmost placement, unchanged base first): chr4-88074814-TG-T. GRCh37 (hg19) VCF-style: chr4-88995966-TG-T.
Other names: c.2527delG (NM_000297.3).
Identifiers: ClinVar variation 586314 (VCV000586314.7), dbSNP rs1560632930, ClinGen allele CA891842582.

ClinVar aggregate classification (germline): Pathogenic. Review status: criteria provided, multiple submitters, no conflicts (2 of 4 stars). 5 submissions from 5 submitters: Pathogenic (4). 1 of the submissions does not count toward it. Last evaluated 2025-07-30.

Conditions:
Polycystic kidney disease 2 (PKD2). Also called: POLYCYSTIC KIDNEY DISEASE 2 WITH OR WITHOUT POLYCYSTIC LIVER DISEASE; Polycystic Kidney Disease 2, Autosomal Dominant; POLYCYSTIC KIDNEY DISEASE, ADULT, TYPE II. Identifiers: MedGen C2751306, MONDO:0013131, OMIM 613095.
Polycystic kidney disease. Also called: Kidney, Polycystic; Polycystic kidney dysplasia. Identifiers: MedGen C0022680, MeSH D007690, MONDO:0020642, HP:0000113.
PKD2-related disorder. Also called: PKD2-related condition.

Submissions (5):

PreventionGenetics, part of Exact Sciences
Classification: Pathogenic for PKD2-related condition. Last evaluated: 2025-07-30. Review status: criteria provided, single submitter. Criteria: ACMG Guidelines, 2015. Collection method: clinical testing. Allele origin: germline.
Comment: The PKD2 c.2527delG variant is predicted to result in premature protein termination (p.Val843*). This variant was reported in an individual with autosomal dominant polycystic kidney disease (ADPKD) (see for example, Supplemental Table, Cornec-Le Gall et al. 2016. PubMed ID: 26150605). This variant has not been reported in a large population database (gnomAD), indicating this variant is rare. This variant is interpreted as pathogenic.

GeneDx
Classification: Pathogenic. Last evaluated: 2022-03-07. Review status: criteria provided, single submitter. Criteria: GeneDx Variant Classification Process June 2021. Collection method: clinical testing. Allele origin: germline. Affected: yes.
Comment: Nonsense variant predicted to result in protein truncation or nonsense mediated decay in a gene for which loss-of-function is a known mechanism of disease; Not observed at significant frequency in large population cohorts (gnomAD); This variant is associated with the following publications: (PMID: 26150605)

Fulgent Genetics
Classification: Pathogenic for Polycystic kidney disease 2. Last evaluated: 2021-12-16. Review status: criteria provided, single submitter. Criteria: ACMG Guidelines, 2015. Collection method: clinical testing. Allele origin: unknown.

Athena Diagnostics
Classification: Pathogenic. Last evaluated: 2017-10-12. Review status: criteria provided, single submitter. Criteria: Athena Diagnostics Criteria. Collection method: clinical testing. Allele origin: germline.

Department of Pathology and Laboratory Medicine, Sinai Health System
Classification: Pathogenic for Polycystic Kidney disease. Review status: no assertion criteria provided. Collection method: clinical testing. Allele origin: unknown. Affected: yes. Study: The Canadian Open Genetics Repository (COGR). Not counted in ClinVar's aggregate classification.
Comment: The PKD2 p.Val843* variant was identified in 1 of 460 proband chromosomes (frequency: 0.002) from individuals or families with autosomal dominant polycystic kidney disease (Rossetti 2012). The variant was identified in ClinVar (classified as pathogenic by Athena Diagnostics). The variant was not identified in dbSNP, LOVD 3.0, ADPKD Mutation Database, PKD1-LOVD, Exome Aggregation Consortium (August 8th 2016) or the Genome Aggregation Database (Feb 27, 2017). The c.2527del variant leads to a premature stop codon at position 843 which is predicted to lead to a truncated or absent protein and loss of function. Loss of function variants of the PKD2 gene are an established mechanism of disease in autosomal dominant polycystic kidney disease and is the type of variant expected to cause the disorder. In summary, based on the above information this variant meets our laboratoryâ€šÃ„Ã´s criteria to be classified as pathogenic.

Literature cited by the submitters: PubMed 26150605 (cited by Athena Diagnostics); PubMed 20408813 (cited by Athena Diagnostics); PubMed 22383692 (cited by Athena Diagnostics).